The following is an entry in ClinVar:

NM_015268.4(DNAJC13):c.5516C>T (p.Ala1839Val)

Gene: DNAJC13 (DnaJ heat shock protein family (Hsp40) member C13; plus strand). Cytogenetic location: 3q22.1.
Variant type: single nucleotide variant.
Coding change: c.5516C>T on transcript NM_015268.4 (MANE Select); coding-DNA position 5516, C replaced by T.
Protein change: p.Ala1839Val; replaces alanine 1839 with valine.
Molecular consequence: missense variant.
Genome position (GRCh38, 1-based): chr3:132,516,452, C>T. VCF-style: chr3-132516452-C-T. GRCh37 (hg19) VCF-style: chr3-132235296-C-T.
Other names: c.5531C>T, p.Ala1844Val (NM_001329126.2); short protein forms A1839V, A1844V.
Identifiers: ClinVar variation 3355732 (VCV003355732.1).

ClinVar aggregate classification (germline): Uncertain significance (0 of 4 stars; one submission).

Conditions:
DNAJC13-related disorder. Also called: DNAJC13-related condition.

gnomAD v4.1: 38 of 1,613,656 alleles (0.0024%); highest among the groups gnomAD compares: Non-Finnish European, 0.0031%; no homozygotes.

Submission:

PreventionGenetics, part of Exact Sciences
Classification: Uncertain significance for DNAJC13-related condition. Last evaluated: 2024-02-08. Review status: no assertion criteria provided. Collection method: clinical testing. Allele origin: germline.
Comment: The DNAJC13 c.5516C>T variant is predicted to result in the amino acid substitution p.Ala1839Val. To our knowledge, this variant has not been reported in the literature. This variant is reported in 0.0031% of alleles in individuals of European (Non-Finnish) descent in gnomAD. At this time, the clinical significance of this variant is uncertain due to the absence of conclusive functional and genetic evidence.